The following is an entry in ClinVar:

NM_001365951.3(KIF1B):c.5071C>G (p.Pro1691Ala)

Gene: KIF1B (kinesin family member 1B; plus strand). Cytogenetic location: 1p36.22.
Variant type: single nucleotide variant.
Coding change: c.5071C>G on transcript NM_001365951.3 (MANE Select); coding-DNA position 5071, C replaced by G.
Protein change: p.Pro1691Ala; replaces proline 1691 with alanine.
Molecular consequence: missense variant.
Genome position (GRCh38, 1-based): chr1:10,374,440, C>G. VCF-style: chr1-10374440-C-G. GRCh37 (hg19) VCF-style: chr1-10434498-C-G.
Other names: c.5071C>G, p.Pro1691Ala (NM_001365952.1); c.4933C>G, p.Pro1645Ala (NM_015074.3); short protein forms P1691A, P1645A.
Identifiers: ClinVar variation 4043048 (VCV004043048.1).

ClinVar aggregate classification (germline): Uncertain significance (1 of 4 stars; one submission).

Submission:

Ambry Genetics
Classification: Uncertain significance. Last evaluated: 2025-03-30. Review status: criteria provided, single submitter. Criteria: Ambry Variant Classification Scheme 2023. Collection method: clinical testing. Allele origin: germline.
Comment: The p.P1645A variant (also known as c.4933C>G), located in coding exon 43 of the KIF1B gene, results from a C to G substitution at nucleotide position 4933. The proline at codon 1645 is replaced by alanine, an amino acid with highly similar properties. This amino acid position is conserved. In addition, the in silico prediction for this alteration is inconclusive. Based on the available evidence, the clinical significance of this variant remains unclear.